The following is an entry in ClinVar:

NM_002691.4(POLD1):c.2825C>T (p.Pro942Leu)

Gene: POLD1 (DNA polymerase delta 1, catalytic subunit; plus strand). Cytogenetic location: 19q13.33.
Variant type: single nucleotide variant.
Coding change: c.2825C>T on transcript NM_002691.4 (MANE Select); coding-DNA position 2825, C replaced by T.
Protein change: p.Pro942Leu; replaces proline 942 with leucine.
Molecular consequence: missense variant. On other transcripts: non-coding transcript variant (1).
Genome position (GRCh38, 1-based): chr19:50,416,400, C>T. VCF-style: chr19-50416400-C-T. GRCh37 (hg19) VCF-style: chr19-50919657-C-T.
Other names: c.2825C>T, p.Pro942Leu (NM_001256849.1); c.2903C>T, p.Pro968Leu (NM_001308632.1); c.2825C>T (NM_002691.2); short protein forms P968L, P942L.
Identifiers: ClinVar variation 570463 (VCV000570463.10), dbSNP rs1270149320, ClinGen allele CA406986200.
Genomic context (GRCh38, chr19:50,416,400, plus strand): 5'-GTCCACCCCGGTGCCCTTTCCCTGGCTGCCCGGGTGTGACTGCCATGTGGCCGCAGGACC[C>T]GCTGTTCGTGCTGGAGCACAGCCTGCCCATTGACACGCAGTACTACCTGGAGCAGCAGCT-3'
Protein context (NP_002682.2, residues 932-952): GVAAYMKSED[Pro942Leu]LFVLEHSLPI

ClinVar aggregate classification (germline): Uncertain significance. Review status: criteria provided, multiple submitters, no conflicts (2 of 4 stars). 3 submissions from 3 submitters: Uncertain significance (3). Last evaluated 2025-06-10.

Conditions:
Hereditary cancer-predisposing syndrome. Also called: Tumor predisposition; Neoplastic Syndromes, Hereditary; Hereditary Cancer Syndrome; Hereditary neoplastic syndrome. Identifiers: Orphanet 140162, MedGen C0027672, MeSH D009386, MONDO:0015356.
POLD1-related polyposis and colorectal cancer syndrome (CRCS10). Also called: Colorectal cancer 10; COLORECTAL CANCER, SUSCEPTIBILITY TO, ON CHROMOSOME 19q; Colorectal cancer, susceptibility to, 10. Identifiers: Orphanet 220460, MedGen C2675481, MONDO:0012953, OMIM 612591.

Allele frequency attached by ClinVar (database versions not stated): gnomAD exomes below 0.00001.
gnomAD v4.1: 1 of 1,549,058 alleles (0.000065%); highest among the groups gnomAD compares: Non-Finnish European, 0.000087%; no homozygotes.

Submissions (3):

Labcorp Genetics (formerly Invitae), Labcorp
Classification: Uncertain significance for POLD1-related polyposis and colorectal cancer syndrome. Last evaluated: 2025-06-10. Review status: criteria provided, single submitter. Criteria: Invitae Variant Classification Sherloc (09022015). Collection method: clinical testing. Allele origin: germline.
Comment: This sequence change replaces proline, which is neutral and non-polar, with leucine, which is neutral and non-polar, at codon 942 of the POLD1 protein (p.Pro942Leu). This variant is not present in population databases (gnomAD no frequency). This variant has not been reported in the literature in individuals affected with POLD1-related conditions. ClinVar contains an entry for this variant (Variation ID: 570463). Invitae Evidence Modeling of protein sequence and biophysical properties (such as structural, functional, and spatial information, amino acid conservation, physicochemical variation, residue mobility, and thermodynamic stability) indicates that this missense variant is expected to disrupt POLD1 protein function with a positive predictive value of 80%. In summary, the available evidence is currently insufficient to determine the role of this variant in disease. Therefore, it has been classified as a Variant of Uncertain Significance.

Ambry Genetics
Classification: Uncertain significance for Hereditary cancer-predisposing syndrome. Last evaluated: 2025-05-27. Review status: criteria provided, single submitter. Criteria: Ambry Variant Classification Scheme 2023. Collection method: clinical testing. Allele origin: germline.
Comment: The p.P942L variant (also known as c.2825C>T), located in coding exon 22 of the POLD1 gene, results from a C to T substitution at nucleotide position 2825. The proline at codon 942 is replaced by leucine, an amino acid with similar properties. This amino acid position is highly conserved in available vertebrate species. In addition, the in silico prediction for this alteration is inconclusive. Based on the available evidence, the clinical significance of this variant remains unclear.

GeneDx
Classification: Uncertain significance. Last evaluated: 2023-07-12. Review status: criteria provided, single submitter. Criteria: GeneDx Variant Classification Process June 2021. Collection method: clinical testing. Allele origin: germline. Affected: yes.
Comment: Not observed at significant frequency in large population cohorts (gnomAD); In silico analysis supports that this missense variant has a deleterious effect on protein structure/function; Has not been previously published as pathogenic or benign to our knowledge